The following is an entry in ClinVar:

NM_000540.3(RYR1):c.4821G>C (p.Met1607Ile)

Gene: RYR1 (ryanodine receptor 1; plus strand). Cytogenetic location: 19q13.2.
Variant type: single nucleotide variant.
Coding change: c.4821G>C on transcript NM_000540.3 (MANE Select); coding-DNA position 4821, G replaced by C.
Protein change: p.Met1607Ile; replaces methionine 1607 with isoleucine.
Molecular consequence: missense variant.
Genome position (GRCh38, 1-based): chr19:38,483,403, G>C. VCF-style: chr19-38483403-G-C. GRCh37 (hg19) VCF-style: chr19-38974043-G-C.
Other names: c.4821G>C, p.Met1607Ile (NM_001042723.2); short protein forms M1607I.
Identifiers: ClinVar variation 3070641 (VCV003070641.1), dbSNP rs771870872, ClinGen allele CA405650548.

ClinVar aggregate classification (germline): Uncertain significance (1 of 4 stars; one submission).

Conditions:
Malignant hyperthermia, susceptibility to, 1 (MHS1). Also called: Anesthesia related hyperthermia; Malignant hyperpyrexia; Fulminating hyperpyrexia; Pharmacogenic myopathy; RYR1-Related Malignant Hyperthermia Susceptibility; Malignant hyperthermia suceptibility 1. Identifiers: Orphanet 423, MedGen C2930980, MONDO:0007783, OMIM 145600.

Submission:

All of Us Research Program, National Institutes of Health
Classification: Uncertain significance for Malignant hyperthermia, susceptibility to, 1. Last evaluated: 2023-05-04. Review status: criteria provided, single submitter. Criteria: ACMG Guidelines, 2015. Collection method: clinical testing. Allele origin: germline. Inheritance: Autosomal dominant inheritance. Observed: 1 variant allele, 1 heterozygote.
Comment: This missense variant replaces methionine with isoleucine at codon 1607 of the RYR1 protein. Computational prediction suggests that this variant may have deleterious impact on protein structure and function (internally defined REVEL score threshold >= 0.7, PMID: 27666373). To our knowledge, functional studies have not been reported for this variant. This variant has not been reported in individuals affected with RYR1-related disorders in the literature. This variant has not been identified in the general population by the Genome Aggregation Database (gnomAD). The available evidence is insufficient to determine the role of this variant in disease conclusively. Therefore, this variant is classified as a Variant of Uncertain Significance.

This study involves interpretation of variants in research participants for the purpose of population health screening. Participant phenotype was not available at the time of variant classification. Additional details can be found in publication PMID: 35346344, PMCID: PMC8962531